The following is an entry in ClinVar:

ClinVar aggregate classification (germline): Uncertain significance. Review status: criteria provided, multiple submitters, no conflicts (2 of 4 stars). 3 submissions from 3 submitters: Uncertain significance (3). Last evaluated 2026-01-27.

Conditions:
Primary dilated cardiomyopathy (DCM). Also called: Dilated Cardiomyopathy. Identifiers: Orphanet 217604, MedGen C0007193, MeSH D002311, MONDO:0005021, HP:0001644. Inheritance: Various modes of inheritance.
Cardiovascular phenotype. Identifiers: MedGen CN230736.

Submissions (3):

Labcorp Genetics (formerly Invitae), Labcorp
Classification: Uncertain significance for Primary dilated cardiomyopathy. Last evaluated: 2026-01-27. Review status: criteria provided, single submitter. Criteria: Invitae Variant Classification Sherloc (09022015). Collection method: clinical testing. Allele origin: germline.
Comment: This variant, c.87_98dup, results in the insertion of 4 amino acid(s) of the TXNRD2 protein (p.Arg31_Ala34dup), but otherwise preserves the integrity of the reading frame. This variant is not present in population databases (gnomAD no frequency). This variant has not been reported in the literature in individuals affected with TXNRD2-related conditions. ClinVar contains an entry for this variant (Variation ID: 1374570). Experimental studies and prediction algorithms are not available or were not evaluated, and the functional significance of this variant is currently unknown. In summary, the available evidence is currently insufficient to determine the role of this variant in disease. Therefore, it has been classified as a Variant of Uncertain Significance.

GeneDx
Classification: Uncertain significance. Last evaluated: 2025-01-13. Review status: criteria provided, single submitter. Criteria: GeneDx Variant Classification Process June 2021. Collection method: clinical testing. Allele origin: germline. Affected: yes.
Comment: Has not been previously published as pathogenic or benign to our knowledge; Not observed at significant frequency in large population cohorts (gnomAD); In-frame duplication of 4 amino acid(s) in a non-repeat region

Ambry Genetics
Classification: Uncertain significance for Cardiovascular phenotype. Last evaluated: 2023-05-22. Review status: criteria provided, single submitter. Criteria: Ambry Variant Classification Scheme 2023. Collection method: clinical testing. Allele origin: germline.
Comment: The c.87_98dup12 variant (also known as p.A34_A35insRGAA), located in coding exon 1 of the TXNRD2 gene, results from an in-frame duplication of 12 nucleotides at nucleotide positions 87 to 98. This results in the insertion of 4 extra residues (RGAA) between codons 34 and 35. In addition, this alteration is predicted to be neutral by in silico analysis (Choi Y et al. PLoS ONE. 2012; 7(10):e46688). The evidence for this gene-disease relationship is limited; therefore, the clinical significance of this alteration is unclear.

NM_006440.5(TXNRD2):c.87_98dup (p.27RGAA[3])

Genes: TXNRD2 (thioredoxin reductase 2; minus strand), LOC130066960 (ATAC-STARR-seq lymphoblastoid silent region 13467; plus strand). Cytogenetic location: 22q11.21.
Variant type: Duplication.
Coding change: c.87_98dup on transcript NM_006440.5 (MANE Select); coding-DNA positions 87 to 98, 12 bases duplicated (GGCGCGGGGCGC).
Protein change: p.27RGAA[3].
Molecular consequence: inframe insertion. On other transcripts: non-coding transcript variant (1).
Genome position (GRCh38, 1-based): chr22:19,941,706-19,941,717, GCGCCCCGCGCC duplicated on the plus strand (GGCGCGGGGCGC on the coding strand, the reverse complement: TXNRD2 is on the minus strand); duplicating any 12 consecutive bases within chr22:19,941,706-19,941,726 gives the same sequence; the c. name uses the placement nearest the transcript's 3' end. VCF-style (leftmost placement, unchanged base first): chr22-19941705-T-TGCGCCCCGCGCC. GRCh37 (hg19) VCF-style: chr22-19929228-T-TGCGCCCCGCGCC.
Other names: c.87_98dup (NM_006440.3); c.87_98dupGGCGCGGGGCGC (NM_006440.3); c.87_98dup, p.27RGAA[3] (NM_001282512.3, NM_001352300.2).
Identifiers: ClinVar variation 1374570 (VCV001374570.9), dbSNP rs766448975, ClinGen allele CA322111614.
Genomic context (GRCh38, chr22:19,941,705, plus strand): 5'-GAGGACACCCCGGCCGCGCGGACACCTACCGCGGGGACGCCCCGACCCCATCCTACCTGC[T>TGCGCCCCGCGCC]GCGCCCCGCGCCGCGCCCCGCACCCCGCCCGCCACGGCCTGCGTCCGCCACCGGAAGCGC-3'